The following is an entry in ClinVar:

ClinVar aggregate classification (germline): Uncertain significance. Review status: criteria provided, multiple submitters, no conflicts (2 of 4 stars). 2 submissions from 2 submitters: Uncertain significance (2). Last evaluated 2025-09-04.

Conditions:
CEP164-related disorder. Also called: CEP164-related condition.
Nephronophthisis 15 (NPHP15). Identifiers: Orphanet 3156, MedGen C3541853, MONDO:0013917, OMIM 614845.

Submissions (2):

PreventionGenetics, part of Exact Sciences
Classification: Uncertain significance for CEP164-related condition. Last evaluated: 2025-09-04. Review status: criteria provided, single submitter. Criteria: ACMG Guidelines, 2015. Collection method: clinical testing. Allele origin: germline.
Comment: The CEP164 c.589G>A variant is predicted to result in the amino acid substitution p.Gly197Ser. To our knowledge, this variant has not been reported in the literature or in a large population database (gnomAD), indicating this variant is rare. At this time, the clinical significance of this variant is uncertain due to the absence of conclusive functional and genetic evidence.

Labcorp Genetics (formerly Invitae), Labcorp
Classification: Uncertain significance for Nephronophthisis 15. Last evaluated: 2021-11-19. Review status: criteria provided, single submitter. Criteria: Invitae Variant Classification Sherloc (09022015). Collection method: clinical testing. Allele origin: germline.
Comment: In summary, the available evidence is currently insufficient to determine the role of this variant in disease. Therefore, it has been classified as a Variant of Uncertain Significance. Algorithms developed to predict the effect of missense changes on protein structure and function output the following: SIFT: "Tolerated"; PolyPhen-2: "Benign"; Align-GVGD: "Class C0". The serine amino acid residue is found in multiple mammalian species, which suggests that this missense change does not adversely affect protein function. This variant has not been reported in the literature in individuals affected with CEP164-related conditions. This variant is not present in population databases (gnomAD no frequency). This sequence change replaces glycine, which is neutral and non-polar, with serine, which is neutral and polar, at codon 197 of the CEP164 protein (p.Gly197Ser).

NM_014956.5(CEP164):c.589G>A (p.Gly197Ser)

Gene: CEP164 (centrosomal protein 164; plus strand). Cytogenetic location: 11q23.3.
Variant type: single nucleotide variant.
Coding change: c.589G>A on transcript NM_014956.5 (MANE Select); coding-DNA position 589, G replaced by A.
Protein change: p.Gly197Ser; replaces glycine 197 with serine.
Molecular consequence: missense variant.
Genome position (GRCh38, 1-based): chr11:117,362,440, G>A. VCF-style: chr11-117362440-G-A. GRCh37 (hg19) VCF-style: chr11-117233156-G-A.
Other names: c.589G>A, p.Gly197Ser (NM_001271933.2); c.589G>A (NM_014956.4); short protein forms G197S.
Identifiers: ClinVar variation 1446453 (VCV001446453.7), dbSNP rs2135703365, ClinGen allele CA382731780.
Genomic context (GRCh38, chr11:117,362,440, plus strand): 5'-TGACTGTCCTTCTCTATTTTGAAGCCTTCACAGGGTCTCAAGACCTCTGCTTATACAAAG[G>A]GTCTCTTGGGCTCCATATATGAGGACAAGACTGCTCTCAGCCTCTTGGGTTTAGGAGAAG-3'
Protein context (NP_055771.4, residues 187-207): QGLKTSAYTK[Gly197Ser]LLGSIYEDKT